The following is an entry in ClinVar:

ClinVar aggregate classification (germline): Uncertain significance (1 of 4 stars; one submission).

Allele frequency attached by ClinVar (database versions not stated): gnomAD exomes below 0.00001.
gnomAD v4.1: 1 of 1,608,398 alleles (0.000062%); no homozygotes.

Submission:

GeneDx
Classification: Uncertain significance. Last evaluated: 2020-11-09. Review status: criteria provided, single submitter. Criteria: GeneDx Variant Classification Process June 2021. Collection method: clinical testing. Allele origin: germline. Affected: yes.
Comment: Not observed in large population cohorts (Lek et al., 2016); In silico analysis supports that this missense variant has a deleterious effect on protein structure/function; Has not been previously published as pathogenic or benign to our knowledge

NM_006941.4(SOX10):c.416G>A (p.Gly139Asp)

Genes: POLR2F (RNA polymerase II, I and III subunit F; plus strand), SOX10 (SRY-box transcription factor 10; minus strand). Cytogenetic location: 22q13.1.
Variant type: single nucleotide variant.
Coding change: c.416G>A on transcript NM_006941.4 (MANE Select); coding-DNA position 416, G replaced by A.
Protein change: p.Gly139Asp; replaces glycine 139 with aspartic acid.
Molecular consequence: missense variant. On other transcripts: intron variant (3).
Genome position (GRCh38, 1-based): chr22:37,983,369, C>T on the plus strand (G>A on the coding strand, the complement: SOX10 is on the minus strand). VCF-style: chr22-37983369-C-T. GRCh37 (hg19) VCF-style: chr22-38379376-C-T.
Other names: c.*38+11059C>T (NM_001363825.1); c.294-2785C>T (NM_001301130.2); c.293+16199C>T (NM_001301131.2); short protein forms G139D.
Identifiers: ClinVar variation 1306597 (VCV001306597.4), dbSNP rs2145776915, ClinGen allele CA411500054.